The following is an entry in ClinVar:

ClinVar aggregate classification (germline): Pathogenic (1 of 4 stars; one submission).

Conditions:
Telangiectasia, hereditary hemorrhagic, type 1 (HHT1). Also called: Osler Weber Rendu syndrome type 1; ENG-Related Hereditary Hemorrhagic Telangiectasia. Identifiers: Orphanet 774, MedGen C4551861, MONDO:0008535, OMIM 187300. Disease mechanism: loss of function.

Submission:

Mayo Clinic Laboratories, Mayo Clinic
Classification: Pathogenic for Telangiectasia, hereditary hemorrhagic, type 1. Last evaluated: 2019-06-25. Review status: criteria provided, single submitter. Criteria: ACMG Guidelines, 2015. Collection method: clinical testing. Allele origin: germline. Observed: 1 variant allele.
Comment: An in-frame deletion of exons 9-10 of the ENG gene.

Literature cited by the submitters: PubMed 16752392.

Single allele

Gene: ENG (endoglin; minus strand). Cytogenetic location: 9q34.11.
Variant type: Deletion.
Identifiers: ClinVar variation 1120157 (VCV001120157.5).